The following is an entry in ClinVar:

NM_001848.3(COL6A1):c.1425del (p.Gly476fs)

Gene: COL6A1 (collagen type VI alpha 1 chain; plus strand). Cytogenetic location: 21q22.3.
Variant type: Deletion.
Coding change: c.1425del on transcript NM_001848.3 (MANE Select); coding-DNA position 1425, one base deleted (A; older notation c.1425delA).
Protein change: p.Gly476fs; shifts the reading frame from glycine 476.
Molecular consequence: frameshift variant.
Genome position (GRCh38, 1-based): chr21:45,997,447, A deleted; the last of 3 consecutive A bases (chr21:45,997,445-45,997,447); deleting any one gives the same sequence. VCF-style (leftmost placement, unchanged base first): chr21-45997444-TA-T. GRCh37 (hg19) VCF-style: chr21-47417358-TA-T.
Other names: c.1425delA (NM_001848.2).
Identifiers: ClinVar variation 224705 (VCV000224705.17), dbSNP rs878854398, ClinGen allele CA10070299.

ClinVar aggregate classification (germline): Pathogenic. Review status: criteria provided, multiple submitters, no conflicts (2 of 4 stars). 5 submissions from 5 submitters: Pathogenic (3). 2 of the submissions do not count toward it. Last evaluated 2025-12-15.

Conditions:
COL6A1-related disorder. Also called: COL6A1-related condition.
Bethlem myopathy 1A. Also called: MYOPATHY, BENIGN CONGENITAL, WITH CONTRACTURES; Bethlem Muscular Dystrophy; Bethlem myopathy 1. Identifiers: Orphanet 610, MedGen CN029274, MONDO:0024530, OMIM 158810.

Submissions (5):

Labcorp Genetics (formerly Invitae), Labcorp
Classification: Pathogenic for Bethlem myopathy 1A. Last evaluated: 2025-12-15. Review status: criteria provided, single submitter. Criteria: Invitae Variant Classification Sherloc (09022015). Collection method: clinical testing. Allele origin: germline.
Comment: This sequence change creates a premature translational stop signal (p.Gly476Alafs*29) in the COL6A1 gene. It is expected to result in an absent or disrupted protein product. Loss-of-function variants in COL6A1 are known to be pathogenic (PMID: 19884007, 20976770). This variant is present in population databases (rs781122262, gnomAD 0.002%). This premature translational stop signal has been observed in individual(s) with metabolic myopathy (PMID: 27854218). ClinVar contains an entry for this variant (Variation ID: 224705). For these reasons, this variant has been classified as Pathogenic.

GeneDx
Classification: Pathogenic. Last evaluated: 2024-05-22. Review status: criteria provided, single submitter. Criteria: GeneDx Variant Classification Process June 2021. Collection method: clinical testing. Allele origin: germline. Affected: yes.
Comment: Identified in a heterozygous state in a patient with metabolic myopathy and reported as a variant of uncertain significance (PMID: 27854218); Frameshift variant predicted to result in protein truncation or nonsense mediated decay in a gene for which loss of function is a known mechanism of disease; Not observed at significant frequency in large population cohorts (gnomAD); This variant is associated with the following publications: (PMID: 30564623, 27854218)

Eurofins Ntd Llc (ga)
Classification: Pathogenic. Last evaluated: 2018-06-19. Review status: criteria provided, single submitter. Criteria: EGL ClinVar v180209 classification definitions. Collection method: clinical testing. Allele origin: germline. Observed: 2 variant alleles, 1 heterozygote, 1 homozygote.

PreventionGenetics, part of Exact Sciences
Classification: Likely pathogenic for COL6A1-related condition. Last evaluated: 2024-08-22. Review status: no assertion criteria provided. Collection method: clinical testing. Allele origin: germline. Not counted in ClinVar's aggregate classification.
Comment: The COL6A1 c.1425delA variant is predicted to result in a frameshift and premature protein termination (p.Gly476Alafs*29). This variant was reported in an individual with phenotypes suggestive of a metabolic myopathy (Punetha et al. 2016. PubMed ID: 27854218). This variant is reported in 0.0016% of alleles in individuals of European (non-Finnish) descent in gnomAD. Frameshift variants in COL6A1 are expected to be pathogenic. This variant is interpreted as likely pathogenic for autosomal recessive COL6A1-related disorders.

Center for Genetic Medicine Research, Children's National Medical Center
Classification: Uncertain significance. Last evaluated: 2015-12-01. Review status: flagged submission. Criteria: Punetha et al. (J Neuromuscul Dis. 2016). Collection method: research. Allele origin: unknown. Not counted in ClinVar's aggregate classification.
ClinVar note: Reason: Outlier claim with insufficient supporting evidence

Literature cited by the submitters: PubMed 19884007 (cited by Labcorp Genetics (formerly Invitae), Labcorp); PubMed 20976770 (cited by Labcorp Genetics (formerly Invitae), Labcorp); PubMed 27854218 (cited by Labcorp Genetics (formerly Invitae), Labcorp).